The following is an entry in ClinVar:

ClinVar aggregate classification (germline): Uncertain significance. Review status: criteria provided, multiple submitters, no conflicts (2 of 4 stars). 3 submissions from 3 submitters: Uncertain significance (3). Last evaluated 2025-10-03.

Conditions:
Desmin-related myofibrillar myopathy (MFM1). Also called: Desmin related myopathy (former name); Desmin storage myopathy (former name); Desminopathy; Myofibrillar myopathy 1; MYOFIBRILLAR MYOPATHY WITH ARRHYTHMOGENIC RIGHT VENTRICULAR CARDIOMYOPATHY; DESMIN-RELATED MYOPATHY WITH ARRHYTHMOGENIC RIGHT VENTRICULAR CARDIOMYOPATHY. Identifiers: Orphanet 363543, Orphanet 98909, MedGen C1832370, MONDO:0011076, OMIM 601419.
Cardiovascular phenotype. Identifiers: MedGen CN230736.

gnomAD v4.1: 12 of 1,579,578 alleles (0.00076%); highest among the groups gnomAD compares: East Asian, 0.0023%; no homozygotes.

Submissions (3):

Labcorp Genetics (formerly Invitae), Labcorp
Classification: Uncertain significance for Desmin-related myofibrillar myopathy. Last evaluated: 2025-10-03. Review status: criteria provided, single submitter. Criteria: Invitae Variant Classification Sherloc (09022015). Collection method: clinical testing. Allele origin: germline.
Comment: This sequence change replaces alanine, which is neutral and non-polar, with glycine, which is neutral and non-polar, at codon 71 of the DES protein (p.Ala71Gly). This variant is not present in population databases (gnomAD no frequency). This variant has not been reported in the literature in individuals affected with DES-related conditions. ClinVar contains an entry for this variant (Variation ID: 3371255). Invitae Evidence Modeling of protein sequence and biophysical properties (such as structural, functional, and spatial information, amino acid conservation, physicochemical variation, residue mobility, and thermodynamic stability) indicates that this missense variant is not expected to disrupt DES protein function with a negative predictive value of 80%. In summary, the available evidence is currently insufficient to determine the role of this variant in disease. Therefore, it has been classified as a Variant of Uncertain Significance.

Ambry Genetics
Classification: Uncertain significance for Cardiovascular phenotype. Last evaluated: 2024-06-30. Review status: criteria provided, single submitter. Criteria: Ambry Variant Classification Scheme 2023. Collection method: clinical testing. Allele origin: germline.
Comment: The p.A71G variant (also known as c.212C>G), located in coding exon 1 of the DES gene, results from a C to G substitution at nucleotide position 212. The alanine at codon 71 is replaced by glycine, an amino acid with similar properties. This amino acid position is conserved. In addition, this alteration is predicted to be tolerated by in silico analysis. Based on the available evidence, the clinical significance of this variant remains unclear.

GeneDx
Classification: Uncertain significance. Last evaluated: 2024-03-28. Review status: criteria provided, single submitter. Criteria: GeneDx Variant Classification Process June 2021. Collection method: clinical testing. Allele origin: germline. Affected: yes.
Comment: Not observed at significant frequency in large population cohorts (gnomAD); In silico analysis supports that this missense variant does not alter protein structure/function; Has not been previously published as pathogenic or benign to our knowledge; This variant is associated with the following publications: (PMID: 26807690)

NM_001927.4(DES):c.212C>G (p.Ala71Gly)

Gene: DES (desmin; plus strand). Cytogenetic location: 2q35.
Variant type: single nucleotide variant.
Coding change: c.212C>G on transcript NM_001927.4 (MANE Select); coding-DNA position 212, C replaced by G.
Protein change: p.Ala71Gly; replaces alanine 71 with glycine.
Molecular consequence: missense variant.
Genome position (GRCh38, 1-based): chr2:219,418,674, C>G. VCF-style: chr2-219418674-C-G. GRCh37 (hg19) VCF-style: chr2-220283396-C-G.
Other names: c.212C>G, p.Ala71Gly (NM_001382708.1, NM_001382709.1, NM_001382710.1 and 3 more transcripts); short protein forms A71G.
Identifiers: ClinVar variation 3371255 (VCV003371255.3).